The following is an entry in ClinVar:

NM_001042545.2(LTBP4):c.4007A>G (p.Asn1336Ser)

Gene: LTBP4 (latent transforming growth factor beta binding protein 4; plus strand). Cytogenetic location: 19q13.2.
Variant type: single nucleotide variant.
Coding change: c.4007A>G on transcript NM_001042545.2 (MANE Select); coding-DNA position 4007, A replaced by G.
Protein change: p.Asn1336Ser; replaces asparagine 1336 with serine.
Molecular consequence: missense variant.
Genome position (GRCh38, 1-based): chr19:40,626,996, A>G. VCF-style: chr19-40626996-A-G. GRCh37 (hg19) VCF-style: chr19-41132901-A-G.
Other names: c.4208A>G, p.Asn1403Ser (NM_001042544.1); c.4097A>G, p.Asn1366Ser (NM_003573.2); short protein forms N1336S, N1403S, N1366S.
Identifiers: ClinVar variation 1372788 (VCV001372788.6), dbSNP rs2146052120, ClinGen allele CA405910374.

ClinVar aggregate classification (germline): Uncertain significance (1 of 4 stars; one submission).

Submission:

Labcorp Genetics (formerly Invitae), Labcorp
Classification: Uncertain significance. Last evaluated: 2021-10-20. Review status: criteria provided, single submitter. Criteria: Invitae Variant Classification Sherloc (09022015). Collection method: clinical testing. Allele origin: germline.
Comment: In summary, the available evidence is currently insufficient to determine the role of this variant in disease. Therefore, it has been classified as a Variant of Uncertain Significance. Experimental studies and prediction algorithms are not available or were not evaluated, and the functional significance of this variant is currently unknown. This variant has not been reported in the literature in individuals affected with LTBP4-related conditions. This variant is not present in population databases (ExAC no frequency). This sequence change replaces asparagine with serine at codon 1366 of the LTBP4 protein (p.Asn1366Ser). The asparagine residue is highly conserved and there is a small physicochemical difference between asparagine and serine.